The following is an entry in ClinVar:

ClinVar aggregate classification (germline): Uncertain significance (1 of 4 stars; one submission).

gnomAD v4.1: 1 of 1,608,798 alleles (0.000062%); no homozygotes.

Submission:

GeneDx
Classification: Uncertain significance. Last evaluated: 2023-11-17. Review status: criteria provided, single submitter. Criteria: GeneDx Variant Classification Process June 2021. Collection method: clinical testing. Allele origin: germline. Affected: yes.
Comment: In silico analysis supports that this missense variant does not alter protein structure/function; Has not been previously published as pathogenic or benign to our knowledge

NM_020987.5(ANK3):c.2885A>G (p.His962Arg)

Gene: ANK3 (ankyrin 3; minus strand). Cytogenetic location: 10q21.2.
Variant type: single nucleotide variant.
Coding change: c.2885A>G on transcript NM_020987.5 (MANE Select); coding-DNA position 2885, A replaced by G.
Protein change: p.His962Arg; replaces histidine 962 with arginine.
Molecular consequence: missense variant.
Genome position (GRCh38, 1-based): chr10:60,114,288, T>C on the plus strand (A>G on the coding strand, the complement: ANK3 is on the minus strand). VCF-style: chr10-60114288-T-C. GRCh37 (hg19) VCF-style: chr10-61874046-T-C.
Other names: c.287A>G, p.His96Arg (NM_001149.4); c.2867A>G, p.His956Arg (NM_001204403.2); c.2888A>G, p.His963Arg (NM_001204404.2); c.2885A>G, p.His962Arg (NM_001320874.2); short protein forms H956R, H962R, H963R, H96R.
Identifiers: ClinVar variation 3252602 (VCV003252602.1), dbSNP rs1401729393.